The following is an entry in ClinVar:

ClinVar aggregate classification (germline): Benign/Likely benign. Review status: criteria provided, multiple submitters, no conflicts (2 of 4 stars). 3 submissions from 3 submitters: Benign (1); Likely benign (2). Last evaluated 2024-12-13.

Conditions:
Papillary renal cell carcinoma type 1 (RCCP1). Also called: Renal adenocarcinoma; Renal cell carcinoma 1; Renal cell carcinoma, somatic; RENAL CELL CARCINOMA, PAPILLARY, 1, SOMATIC. Identifiers: Orphanet 47044, MedGen C1336839, OMIM 605074, HP:0011797.
Renal cell carcinoma. Identifiers: Orphanet 217071, MedGen C0007134, MeSH D002292, MONDO:0005086, HP:0005584.
Hereditary cancer-predisposing syndrome. Also called: Tumor predisposition; Neoplastic Syndromes, Hereditary; Hereditary Cancer Syndrome; Hereditary neoplastic syndrome. Identifiers: Orphanet 140162, MedGen C0027672, MeSH D009386, MONDO:0015356.

gnomAD v4.1: 1 of 1,614,002 alleles (0.000062%); no homozygotes.

Submissions (3):

Ambry Genetics
Classification: Likely benign for Hereditary cancer-predisposing syndrome. Last evaluated: 2024-12-13. Review status: criteria provided, single submitter. Criteria: Ambry Variant Classification Scheme 2023. Collection method: clinical testing. Allele origin: germline.

Myriad Genetics, Inc.
Classification: Benign for Papillary renal cell carcinoma type 1. Last evaluated: 2024-11-14. Review status: criteria provided, single submitter. Criteria: Myriad Autosomal Dominant, Autosomal Recessive and X-Linked Classification Criteria (2023). Collection method: clinical testing. Allele origin: unknown.
Comment: This variant is considered benign. This variant is a silent/synonymous amino acid change and it is not expected to impact splicing.

Labcorp Genetics (formerly Invitae), Labcorp
Classification: Likely benign for Renal cell carcinoma. Last evaluated: 2023-08-27. Review status: criteria provided, single submitter. Criteria: Invitae Variant Classification Sherloc (09022015). Collection method: clinical testing. Allele origin: germline.

NM_000245.4(MET):c.3678C>T (p.Ala1226=)

Gene: MET (MET proto-oncogene, receptor tyrosine kinase; plus strand). Cytogenetic location: 7q31.2.
Variant type: single nucleotide variant.
Coding change: c.3678C>T on transcript NM_000245.4 (MANE Select); coding-DNA position 3678, C replaced by T.
Protein change: p.Ala1226=; no amino-acid change (alanine 1226 retained).
Molecular consequence: synonymous variant.
Genome position (GRCh38, 1-based): chr7:116,783,349, C>T. VCF-style: chr7-116783349-C-T. GRCh37 (hg19) VCF-style: chr7-116423403-C-T.
Other names: c.3732C>T, p.Ala1244= (NM_001127500.3); c.2388C>T, p.Ala796= (NM_001324402.2).
Identifiers: ClinVar variation 760388 (VCV000760388.12), dbSNP rs1584965488, ClinGen allele CA457219437.
Genomic context (GRCh38, chr7:116,783,349, plus strand): 5'-TTGTCCTTTCTGTAGGCTGGATGAAAAATTCACAGTCAAGGTTGCTGATTTTGGTCTTGC[C>T]AGAGACATGTATGATAAAGAATACTATAGTGTACACAACAAAACAGGTGCAAAGCTGCCA-3'
Protein context (NP_000236.2, residues 1216-1236): FTVKVADFGL[Ala1226=]RDMYDKEYYS